The following is an entry in ClinVar:

NC_000019.9:g.(?_13476111)_(13476303_?)del

Gene: CACNA1A (calcium voltage-gated channel subunit alpha1 A; minus strand). Cytogenetic location: 19p13.2.
Variant type: Deletion.
Identifiers: ClinVar variation 2423752 (VCV002423752.3).

ClinVar aggregate classification (germline): Pathogenic (1 of 4 stars; one submission).

Conditions:
Episodic ataxia type 2 (EA2). Also called: ATAXIA, EPISODIC, WITH NYSTAGMUS; ATAXIA, FAMILIAL PAROXYSMAL; CEREBELLAR ATAXIA, PAROXYSMAL, ACETAZOLAMIDE-RESPONSIVE; CEREBELLOPATHY, HEREDITARY PAROXYSMAL; EPISODIC ATAXIA, NYSTAGMUS-ASSOCIATED; ACETAZOLAMIDE-RESPONSIVE HEREDITARY PAROXYSMAL CEREBELLAR ATAXIA. Identifiers: Orphanet 97, MedGen C1720416, MONDO:0007163, OMIM 108500.
Developmental and epileptic encephalopathy, 42 (DEE42A). Also called: DEVELOPMENTAL AND EPILEPTIC ENCEPHALOPATHY 42A; EPILEPTIC ENCEPHALOPATHY, EARLY INFANTILE, 42A; Epileptic encephalopathy, early infantile, 42. Identifiers: MedGen C4310716, MONDO:0014917, OMIM 617106.

Submission:

Labcorp Genetics (formerly Invitae), Labcorp
Classification: Pathogenic for Developmental and epileptic encephalopathy, 42; Episodic ataxia type 2. Last evaluated: 2022-05-20. Review status: criteria provided, single submitter. Criteria: Invitae Variant Classification Sherloc (09022015). Collection method: clinical testing. Allele origin: germline.
Comment: For these reasons, this variant has been classified as Pathogenic. This variant disrupts a region of the CACNA1A protein in which other variant(s) (p.Ser218Leu) have been determined to be pathogenic (PMID: 11409427, 15743764, 18581134, 19520699). This suggests that this is a clinically significant region of the protein, and that variants that disrupt it are likely to be disease-causing. This variant has not been reported in the literature in individuals affected with CACNA1A-related conditions. This variant is a gross deletion of the genomic region encompassing exon(s) 5 of the CACNA1A gene. This variant would be expected to be in-frame, preserving the integrity of the reading frame.

Literature cited by the submitters: PubMed 11409427; PubMed 15743764; PubMed 18581134; PubMed 19520699.